The following is an entry in ClinVar:

ClinVar aggregate classification (germline): Uncertain significance. Review status: criteria provided, multiple submitters, no conflicts (2 of 4 stars). 2 submissions from 2 submitters: Uncertain significance (2). Last evaluated 2026-08-29.

Conditions:
Primary ciliary dyskinesia. Also called: Ciliary dyskinesia. Identifiers: Orphanet 244, MedGen C0008780, MONDO:0016575, HP:0012265.

Allele frequency attached by ClinVar (database versions not stated): ExAC 0.00001; TOPMed 0.00001; gnomAD exomes 0.00001.

Submissions (2):

Ambry Genetics
Classification: Uncertain significance for Primary ciliary dyskinesia. Last evaluated: 2026-08-29. Review status: criteria provided, single submitter. Criteria: Ambry Variant Classification Scheme 2023. Collection method: clinical testing. Allele origin: germline.
Comment: The p.Q525E variant (also known as c.1573C>G), located in coding exon 12 of the DNAAF3 gene, results from a C to G substitution at nucleotide position 1573. The glutamine at codon 525 is replaced by glutamic acid, an amino acid with highly similar properties. This amino acid position is conserved. In addition, this alteration is predicted to be tolerated by in silico analysis. Based on the available evidence, the clinical significance of this variant remains unclear.

Labcorp Genetics (formerly Invitae), Labcorp
Classification: Uncertain significance for Primary ciliary dyskinesia. Last evaluated: 2022-07-12. Review status: criteria provided, single submitter. Criteria: Invitae Variant Classification Sherloc (09022015). Collection method: clinical testing. Allele origin: germline.
Comment: This sequence change replaces glutamine, which is neutral and polar, with glutamic acid, which is acidic and polar, at codon 525 of the DNAAF3 protein (p.Gln525Glu). This variant is present in population databases (rs754170208, gnomAD 0.009%). This variant has not been reported in the literature in individuals affected with DNAAF3-related conditions. ClinVar contains an entry for this variant (Variation ID: 1346172). Algorithms developed to predict the effect of missense changes on protein structure and function output the following: SIFT: "Tolerated"; PolyPhen-2: "Benign"; Align-GVGD: "Class C0". The glutamic acid amino acid residue is found in multiple mammalian species, which suggests that this missense change does not adversely affect protein function. In summary, the available evidence is currently insufficient to determine the role of this variant in disease. Therefore, it has been classified as a Variant of Uncertain Significance.

NM_001256715.2(DNAAF3):c.1372C>G (p.Gln458Glu)

Genes: DNAAF3 (dynein axonemal assembly factor 3; minus strand), DNAAF3-AS1 (DNAAF3 antisense RNA 1; plus strand). Cytogenetic location: 19q13.42.
Variant type: single nucleotide variant.
Coding change: c.1372C>G on transcript NM_001256715.2 (MANE Select); coding-DNA position 1372, C replaced by G.
Protein change: p.Gln458Glu; replaces glutamine 458 with glutamic acid.
Molecular consequence: missense variant.
Genome position (GRCh38, 1-based): chr19:55,159,316, G>C on the plus strand (C>G on the coding strand, the complement: DNAAF3 is on the minus strand). VCF-style: chr19-55159316-G-C. GRCh37 (hg19) VCF-style: chr19-55670684-G-C.
Other names: c.1573C>G, p.Gln525Glu (NM_001256714.1); c.1210C>G, p.Gln404Glu (NM_001256716.2); c.1513C>G, p.Gln505Glu (NM_178837.4); short protein forms Q505E, Q458E, Q525E, Q404E.
Identifiers: ClinVar variation 1346172 (VCV001346172.6), dbSNP rs754170208, ClinGen allele CA9667791.
Genomic context (GRCh38, chr19:55,159,316, plus strand): 5'-TGTCAAGGGGCGGAGTTCCGGGTTCCACAGCTGGGACAGTGTTGCCCAGAGCTGATTCCT[G>C]GGACTTGCAGAAACGTGCGAAGGTCTCTGAAGGCCTGGCCCCGGTCTGTGGAGCAAATCC-3'
Protein context (NP_001243644.1, residues 448-468): SETFARFCKS[Gln458Glu]ESALGNTVPA